The following is an entry in ClinVar:

ClinVar aggregate classification (germline): Uncertain significance. Review status: criteria provided, single submitter (1 of 4 stars). 2 submissions from 2 submitters: Uncertain significance (1). 1 of the submissions does not count toward it. Last evaluated 2019-09-11.

Conditions:
Cobalamin C disease. Also called: Vitamin B12 metabolic defect with combined deficiency of methylmalonyl-CoA mutase and homocysteine:methyltetrahydrofolate methyltransferase; Methylmalonic aciduria with homocystinuria cblC type; Cobalamin-C methylmalonic acidemia and homocystinuria; Methylmalonic acidemia and homocystinuria cblC type; methylmalonic aciduria and homocystinuria type cblC; Methylmalonic aciduria and homocystinuria, Vitamin B12-responsive. Identifiers: Orphanet 26, Orphanet 79282, MedGen C1848561, MONDO:0010184, OMIM 277400.

Allele frequency attached by ClinVar (database versions not stated): gnomAD exomes below 0.00001; ExAC 0.00001.
gnomAD v4.1: 2 of 1,614,132 alleles (0.00012%); highest among the groups gnomAD compares: Non-Finnish European, 0.00017%; no homozygotes.

Submissions (2):

Labcorp Genetics (formerly Invitae), Labcorp
Classification: Uncertain significance for Cobalamin C disease. Last evaluated: 2019-09-11. Review status: criteria provided, single submitter. Criteria: Invitae Variant Classification Sherloc (09022015). Collection method: clinical testing. Allele origin: germline.
Comment: This variant is present in population databases (rs758730415, ExAC 0.001%). This sequence change replaces valine with methionine at codon 107 of the MMACHC protein (p.Val107Met). The valine residue is moderately conserved and there is a small physicochemical difference between valine and methionine. This variant has not been reported in the literature in individuals with MMACHC-related conditions. In summary, the available evidence is currently insufficient to determine the role of this variant in disease. Therefore, it has been classified as a Variant of Uncertain Significance. Algorithms developed to predict the effect of missense changes on protein structure and function output the following: SIFT: "Tolerated"; PolyPhen-2: "Benign"; Align-GVGD: "Class C0". The methionine amino acid residue is found in multiple mammalian species, suggesting that this missense change does not adversely affect protein function. These predictions have not been confirmed by published functional studies and their clinical significance is uncertain.

Natera, Inc.
Classification: Uncertain significance for Methylmalonic aciduria and homocystinuria cblC type. Last evaluated: 2018-12-08. Review status: no assertion criteria provided. Collection method: clinical testing. Allele origin: germline. Not counted in ClinVar's aggregate classification.

NM_015506.3(MMACHC):c.319G>A (p.Val107Met)

Gene: MMACHC (metabolism of cobalamin associated C; plus strand). Cytogenetic location: 1p34.1.
Variant type: single nucleotide variant.
Coding change: c.319G>A on transcript NM_015506.3 (MANE Select); coding-DNA position 319, G replaced by A.
Protein change: p.Val107Met; replaces valine 107 with methionine.
Molecular consequence: missense variant.
Genome position (GRCh38, 1-based): chr1:45,508,254, G>A. VCF-style: chr1-45508254-G-A. GRCh37 (hg19) VCF-style: chr1-45973926-G-A.
Other names: c.148G>A, p.Val50Met (NM_001330540.2); short protein forms V107M, V50M.
Identifiers: ClinVar variation 964526 (VCV000964526.14), dbSNP rs758730415, ClinGen allele CA827701.